The following is an entry in ClinVar:

NM_147127.5(EVC2):c.218G>A (p.Ser73Asn)

Gene: EVC2 (EvC ciliary complex subunit 2; minus strand). Cytogenetic location: 4p16.2.
Variant type: single nucleotide variant.
Coding change: c.218G>A on transcript NM_147127.5 (MANE Select); coding-DNA position 218, G replaced by A.
Protein change: p.Ser73Asn; replaces serine 73 with asparagine.
Molecular consequence: missense variant. On other transcripts: intron variant (1).
Genome position (GRCh38, 1-based): chr4:5,708,296, C>T on the plus strand (G>A on the coding strand, the complement: EVC2 is on the minus strand). VCF-style: chr4-5708296-C-T. GRCh37 (hg19) VCF-style: chr4-5710023-C-T.
Other names: c.-13+533G>A (NM_001166136.2); short protein forms S73N.
Identifiers: ClinVar variation 4788250 (VCV004788250.1).
Genomic context (GRCh38, chr4:5,708,296, plus strand): 5'-AAGTCAAACCACTACAGTCAGACCGGAGCCTGGGGTCGGGCCCTCCTTACCTGCGTGCTG[C>T]TCTCGGGCCCCGCCCCGCTCCGCCCCGGAGGGATCCTCAGGCCGGGCCCAGACCTAGGAG-3'
Protein context (NP_667338.3, residues 63-83): PPGRSGAGPE[Ser73Asn]STQDLPCMIW

ClinVar aggregate classification (germline): Uncertain significance (1 of 4 stars; one submission).

Conditions:
Ellis-van Creveld syndrome (EVC). Also called: EVC-Related Ellis-van Creveld Syndrome; EVC2-Related Ellis-van Creveld Syndrome; MESOECTODERMAL DYSPLASIA; Chondroectodermal dysplasia. Identifiers: Orphanet 289, MedGen C0013903, MONDO:0009162, OMIM 225500.
Curry-Hall syndrome (WAD). Also called: WEYERS ACRODENTAL DYSOSTOSIS. Identifiers: Orphanet 952, MedGen C0457013, MONDO:0008673, OMIM 193530.

Submission:

Labcorp Genetics (formerly Invitae), Labcorp
Classification: Uncertain significance for Curry-Hall syndrome; Ellis-van Creveld syndrome. Last evaluated: 2025-09-16. Review status: criteria provided, single submitter. Criteria: Invitae Variant Classification Sherloc (09022015). Collection method: clinical testing. Allele origin: germline.
Comment: This sequence change replaces serine, which is neutral and polar, with asparagine, which is neutral and polar, at codon 73 of the EVC2 protein (p.Ser73Asn). This variant is not present in population databases (gnomAD no frequency). This variant has not been reported in the literature in individuals affected with EVC2-related conditions. An algorithm developed to predict the effect of missense changes on protein structure and function (PolyPhen-2) suggests that this variant is likely to be tolerated. In summary, the available evidence is currently insufficient to determine the role of this variant in disease. Therefore, it has been classified as a Variant of Uncertain Significance.